The following is an entry in ClinVar:

ClinVar aggregate classification (germline): Uncertain significance (1 of 4 stars; one submission).

Conditions:
Aortic aneurysm, familial thoracic 7 (AAT7). Also called: AORTIC DISSECTION, FAMILIAL, WITH OR WITHOUT AORTIC ANEURYSM. Identifiers: MedGen C3151077, MONDO:0013418, OMIM 613780.

Allele frequency attached by ClinVar (database versions not stated): gnomAD exomes below 0.00001; ExAC 0.00001.
gnomAD v4.1: 3 of 1,613,944 alleles (0.00019%); highest among the groups gnomAD compares: Non-Finnish European, 0.00025%; no homozygotes.

Submission:

Labcorp Genetics (formerly Invitae), Labcorp
Classification: Uncertain significance for Aortic aneurysm, familial thoracic 7. Last evaluated: 2025-07-28. Review status: criteria provided, single submitter. Criteria: Invitae Variant Classification Sherloc (09022015). Collection method: clinical testing. Allele origin: germline.
Comment: This sequence change replaces alanine, which is neutral and non-polar, with threonine, which is neutral and polar, at codon 1099 of the MYLK protein (p.Ala1099Thr). The frequency data for this variant in the population databases is considered unreliable, as metrics indicate poor data quality at this position in the gnomAD database. This variant has not been reported in the literature in individuals affected with MYLK-related conditions. ClinVar contains an entry for this variant (Variation ID: 2413943). Invitae Evidence Modeling of protein sequence and biophysical properties (such as structural, functional, and spatial information, amino acid conservation, physicochemical variation, residue mobility, and thermodynamic stability) indicates that this missense variant is not expected to disrupt MYLK protein function with a negative predictive value of 80%. In summary, the available evidence is currently insufficient to determine the role of this variant in disease. Therefore, it has been classified as a Variant of Uncertain Significance.

NM_053025.4(MYLK):c.3295G>A (p.Ala1099Thr)

Gene: MYLK (myosin light chain kinase; minus strand). Cytogenetic location: 3q21.1.
Variant type: single nucleotide variant.
Coding change: c.3295G>A on transcript NM_053025.4 (MANE Select); coding-DNA position 3295, G replaced by A.
Protein change: p.Ala1099Thr; replaces alanine 1099 with threonine.
Molecular consequence: missense variant.
Genome position (GRCh38, 1-based): chr3:123,700,173, C>T on the plus strand (G>A on the coding strand, the complement: MYLK is on the minus strand). VCF-style: chr3-123700173-C-T. GRCh37 (hg19) VCF-style: chr3-123419020-C-T.
Other names: c.2767G>A, p.Ala923Thr (NM_001321309.2); c.3088G>A, p.Ala1030Thr (NM_053026.4, NM_053028.4); c.3295G>A, p.Ala1099Thr (NM_053027.4); short protein forms A1030T, A1099T, A923T.
Identifiers: ClinVar variation 2413943 (VCV002413943.6), dbSNP rs777804948, ClinGen allele CA069544.
Genomic context (GRCh38, chr3:123,700,173, plus strand): 5'-ACTGGAGCAGCAGCTTCTTGCCCTCTGCCACATGAACATCTTGCAGCTTCTGCTTGAAGG[C>T]TGGGGCTGTCCCCTGGCTCTCTGATCTCTTTTCATTATCTGTGGTCCCTGCATGGCCTCT-3'
Protein context (NP_444253.3, residues 1089-1109): KRSESQGTAP[Ala1099Thr]FKQKLQDVHV